The following is an entry in ClinVar:

NM_015378.4(VPS13D):c.251G>C (p.Ser84Thr)

Gene: VPS13D (vacuolar protein sorting 13 homolog D; plus strand). Cytogenetic location: 1p36.22.
Variant type: single nucleotide variant.
Coding change: c.251G>C on transcript NM_015378.4 (MANE Select); coding-DNA position 251, G replaced by C.
Protein change: p.Ser84Thr; replaces serine 84 with threonine.
Molecular consequence: missense variant.
Genome position (GRCh38, 1-based): chr1:12,244,321, G>C. VCF-style: chr1-12244321-G-C. GRCh37 (hg19) VCF-style: chr1-12304378-G-C.
Other names: c.251G>C, p.Ser84Thr (NM_018156.4); short protein forms S84T.
Identifiers: ClinVar variation 1933113 (VCV001933113.5), dbSNP rs1640476584, ClinGen allele CA338475311.

ClinVar aggregate classification (germline): Uncertain significance (1 of 4 stars; one submission).

Allele frequency attached by ClinVar (database versions not stated): gnomAD exomes below 0.00001.
gnomAD v4.1: 1 of 1,614,106 alleles (0.000062%); highest among the groups gnomAD compares: Non-Finnish European, 0.000085%; no homozygotes.

Submission:

Labcorp Genetics (formerly Invitae), Labcorp
Classification: Uncertain significance. Last evaluated: 2022-10-05. Review status: criteria provided, single submitter. Criteria: Invitae Variant Classification Sherloc (09022015). Collection method: clinical testing. Allele origin: germline.
Comment: In summary, the available evidence is currently insufficient to determine the role of this variant in disease. Therefore, it has been classified as a Variant of Uncertain Significance. Advanced modeling of protein sequence and biophysical properties (such as structural, functional, and spatial information, amino acid conservation, physicochemical variation, residue mobility, and thermodynamic stability) performed at Invitae indicates that this missense variant is not expected to disrupt VPS13D protein function. This variant has not been reported in the literature in individuals affected with VPS13D-related conditions. This variant is not present in population databases (gnomAD no frequency). This sequence change replaces serine, which is neutral and polar, with threonine, which is neutral and polar, at codon 84 of the VPS13D protein (p.Ser84Thr).